The following is an entry in ClinVar:

NM_004360.5(CDH1):c.2504A>G (p.Tyr835Cys)

Gene: CDH1 (cadherin 1; plus strand). Cytogenetic location: 16q22.1.
Variant type: single nucleotide variant.
Coding change: c.2504A>G on transcript NM_004360.5 (MANE Select); coding-DNA position 2504, A replaced by G.
Protein change: p.Tyr835Cys; replaces tyrosine 835 with cysteine.
Molecular consequence: missense variant.
Genome position (GRCh38, 1-based): chr16:68,833,354, A>G. VCF-style: chr16-68833354-A-G. GRCh37 (hg19) VCF-style: chr16-68867257-A-G.
Other names: c.2321A>G, p.Tyr774Cys (NM_001317184.2); c.956A>G, p.Tyr319Cys (NM_001317185.2); c.539A>G, p.Tyr180Cys (NM_001317186.2); short protein forms Y774C, Y180C, Y835C, Y319C.
Identifiers: ClinVar variation 850131 (VCV000850131.13), dbSNP rs1961536275, ClinGen allele CA396472200.

ClinVar aggregate classification (germline): Uncertain significance. Review status: criteria provided, multiple submitters, no conflicts (2 of 4 stars). 2 submissions from 2 submitters: Uncertain significance (2). Last evaluated 2025-12-02.

Conditions:
Hereditary diffuse gastric adenocarcinoma (HDGC). Also called: DIFFUSE GASTRIC AND LOBULAR BREAST CANCER SYNDROME. Identifiers: Orphanet 26106, MedGen C1708349, MONDO:0007648, OMIM 137215.
Hereditary cancer-predisposing syndrome. Also called: Neoplastic Syndromes, Hereditary; Hereditary Cancer Syndrome; Hereditary neoplastic syndrome; Tumor predisposition. Identifiers: Orphanet 140162, MedGen C0027672, MeSH D009386, MONDO:0015356.

Allele frequency attached by ClinVar (database versions not stated): gnomAD exomes below 0.00001.
gnomAD v4.1: 1 of 1,614,178 alleles (0.000062%); highest among the groups gnomAD compares: South Asian, 0.0011%; no homozygotes.

Submissions (2):

Labcorp Genetics (formerly Invitae), Labcorp
Classification: Uncertain significance for Hereditary diffuse gastric adenocarcinoma. Last evaluated: 2025-12-02. Review status: criteria provided, single submitter. Criteria: Invitae Variant Classification Sherloc (09022015). Collection method: clinical testing. Allele origin: germline.
Comment: This sequence change replaces tyrosine, which is neutral and polar, with cysteine, which is neutral and slightly polar, at codon 835 of the CDH1 protein (p.Tyr835Cys). This variant is not present in population databases (gnomAD no frequency). This variant has not been reported in the literature in individuals affected with CDH1-related conditions. ClinVar contains an entry for this variant (Variation ID: 850131). An algorithm developed to predict the effect of missense changes on protein structure and function (PolyPhen-2) suggests that this variant is likely to be disruptive. In summary, the available evidence is currently insufficient to determine the role of this variant in disease. Therefore, it has been classified as a Variant of Uncertain Significance.

Ambry Genetics
Classification: Uncertain significance for Hereditary cancer-predisposing syndrome. Last evaluated: 2024-12-02. Review status: criteria provided, single submitter. Criteria: Ambry Variant Classification Scheme 2023. Collection method: clinical testing. Allele origin: germline.
Comment: The p.Y835C variant (also known as c.2504A>G), located in coding exon 16 of the CDH1 gene, results from an A to G substitution at nucleotide position 2504. The tyrosine at codon 835 is replaced by cysteine, an amino acid with highly dissimilar properties. This amino acid position is well conserved in available vertebrate species. In addition, this alteration is predicted to be deleterious by in silico analysis. Since supporting evidence is limited at this time, the clinical significance of this alteration remains unclear.